The following is an entry in ClinVar:

ClinVar aggregate classification (germline): Benign/Likely benign. Review status: criteria provided, multiple submitters, no conflicts (2 of 4 stars). 2 submissions from 2 submitters: Benign (1); Likely benign (1). Last evaluated 2026-09-28.

Conditions:
Neurofibromatosis, type 1 (NF1). Also called: Peripheral type neurofibromatosis; Neurofibromatosis, type I; VON RECKLINGHAUSEN DISEASE; NEUROFIBROMATOSIS, TYPE I, SOMATIC. Identifiers: Orphanet 636, MedGen C0027831, MONDO:0018975, OMIM 162200. Disease mechanism: loss of function.

Submissions (2):

Myriad Genetics, Inc.
Classification: Benign for Neurofibromatosis, type 1. Last evaluated: 2026-09-28. Review status: criteria provided, single submitter. Criteria: Myriad Autosomal Dominant, Autosomal Recessive and X-Linked Classification Criteria (2023). Collection method: clinical testing. Allele origin: unknown.
Comment: This variant is considered benign. This variant is a silent/synonymous amino acid change and it is not expected to impact splicing.

PreventionGenetics, part of Exact Sciences
Classification: Likely benign. Review status: criteria provided, single submitter. Criteria: ACMG Guidelines, 2015. Collection method: clinical testing. Allele origin: germline.

NM_001042492.3(NF1):c.4119C>T (p.Cys1373=)

Gene: NF1 (neurofibromin 1; plus strand). Cytogenetic location: 17q11.2.
Variant type: single nucleotide variant.
Coding change: c.4119C>T on transcript NM_001042492.3 (MANE Select); coding-DNA position 4119, C replaced by T.
Protein change: p.Cys1373=; no amino-acid change (cysteine 1373 retained).
Molecular consequence: synonymous variant. On other transcripts: intron variant (1).
Genome position (GRCh38, 1-based): chr17:31,252,946, C>T. VCF-style: chr17-31252946-C-T. GRCh37 (hg19) VCF-style: chr17-29579964-C-T.
Other names: c.4110+3827C>T (NM_000267.4).
Identifiers: ClinVar variation 257287 (VCV000257287.3), dbSNP rs886038394, ClinGen allele CA10587262.